The following is an entry in ClinVar:

NM_001082538.3(TCTN1):c.822+1G>A

Gene: TCTN1 (tectonic family member 1; plus strand). Cytogenetic location: 12q24.11.
Variant type: single nucleotide variant.
Coding change: c.822+1G>A on transcript NM_001082538.3 (MANE Select); the canonical splice donor site of the intron after coding-DNA position 822, G replaced by A.
Molecular consequence: splice donor variant. On other transcripts: intron variant (1).
Genome position (GRCh38, 1-based): chr12:110,634,780, G>A. VCF-style: chr12-110634780-G-A. GRCh37 (hg19) VCF-style: chr12-111072585-G-A.
Other names: c.654+1G>A (NM_001173975.3); c.642+1G>A (NM_001173976.2); c.288+1G>A (NM_001319681.2); c.780+317G>A (NM_024549.6); c.822+1G>A (NM_001082537.3, NM_001319680.2).
Identifiers: ClinVar variation 1903848 (VCV001903848.6), dbSNP rs374065616, ClinGen allele CA6786709.

ClinVar aggregate classification (germline): Pathogenic/Likely pathogenic. Review status: criteria provided, multiple submitters, no conflicts (2 of 4 stars). 2 submissions from 2 submitters: Pathogenic (1); Likely pathogenic (1). Last evaluated 2025-08-25.

Conditions:
TCTN1-related disorder. Also called: TCTN1-related condition.
Joubert syndrome. Also called: Familial aplasia of the vermis; JOUBERT-BOLTSHAUSER SYNDROME. Identifiers: Orphanet 475, MedGen C5979921, MONDO:0018772.
Meckel-Gruber syndrome. Also called: DYSENCEPHALIA SPLANCHNOCYSTICA; GRUBER SYNDROME; Dysencephalia splachnocystica. Identifiers: Orphanet 564, MedGen C0265215, MONDO:0018921.

Allele frequency attached by ClinVar (database versions not stated): gnomAD 0.00005; gnomAD exomes 0.00005; TOPMed 0.00005; ExAC 0.00008; ESP Exome Variant Server 0.00008.
gnomAD v4.1: 78 of 1,601,776 alleles (0.0049%); highest among the groups gnomAD compares: Non-Finnish European, 0.0059%; no homozygotes.

Submissions (2):

Labcorp Genetics (formerly Invitae), Labcorp
Classification: Pathogenic for Joubert syndrome; Meckel-Gruber syndrome. Last evaluated: 2025-08-25. Review status: criteria provided, single submitter. Criteria: Invitae Variant Classification Sherloc (09022015). Collection method: clinical testing. Allele origin: germline.
Comment: This sequence change affects a donor splice site in intron 6 of the TCTN1 gene. It is expected to disrupt RNA splicing. Variants that disrupt the donor or acceptor splice site typically lead to a loss of protein function (PMID: 16199547), and loss-of-function variants in TCTN1 are known to be pathogenic (PMID: 21725307, 22693042, 27894351). This variant is present in population databases (rs374065616, gnomAD 0.009%). Disruption of this splice site has been observed in individual(s) with Meckel-Gruber syndrome (external communication). In at least one individual the data is consistent with being in trans (on the opposite chromosome) from a pathogenic variant. ClinVar contains an entry for this variant (Variation ID: 1903848). Algorithms developed to predict the effect of sequence changes on RNA splicing suggest that this variant may disrupt the consensus splice site. For these reasons, this variant has been classified as Pathogenic.

Blueprint Genetics
Classification: Likely pathogenic for TCTN1-related disorders. Last evaluated: 2021-11-16. Review status: criteria provided, single submitter. Criteria: ACMG Guidelines, 2015. Collection method: clinical testing. Allele origin: germline. Affected: yes. Observed: 5 variant alleles.

Literature cited by the submitters: PubMed 16199547 (cited by Labcorp Genetics (formerly Invitae), Labcorp); PubMed 21725307 (cited by Labcorp Genetics (formerly Invitae), Labcorp); PubMed 22693042 (cited by Labcorp Genetics (formerly Invitae), Labcorp); PubMed 27894351 (cited by Labcorp Genetics (formerly Invitae), Labcorp).